The following is an entry in ClinVar:

ClinVar aggregate classification (germline): Uncertain significance (1 of 4 stars; one submission).

Conditions:
Inborn genetic diseases. Identifiers: MedGen C0950123, MeSH D030342.

gnomAD v4.1: 1 of 1,614,212 alleles (0.000062%); highest among the groups gnomAD compares: Non-Finnish European, 0.000085%; no homozygotes.

Submission:

Ambry Genetics
Classification: Uncertain significance for Inborn genetic diseases. Last evaluated: 2024-12-22. Review status: criteria provided, single submitter. Criteria: Ambry Variant Classification Scheme 2023. Collection method: clinical testing. Allele origin: germline.
Comment: The p.F153C variant (also known as c.458T>G), located in coding exon 4 of the G6PC3 gene, results from a T to G substitution at nucleotide position 458. The phenylalanine at codon 153 is replaced by cysteine, an amino acid with highly dissimilar properties. This amino acid position is conserved. In addition, the in silico prediction for this alteration is inconclusive. Based on the available evidence, the clinical significance of this variant remains unclear.

NM_138387.4(G6PC3):c.458T>G (p.Phe153Cys)

Gene: G6PC3 (glucose-6-phosphatase catalytic subunit 3; plus strand). Cytogenetic location: 17q21.31.
Variant type: single nucleotide variant.
Coding change: c.458T>G on transcript NM_138387.4 (MANE Select); coding-DNA position 458, T replaced by G.
Protein change: p.Phe153Cys; replaces phenylalanine 153 with cysteine.
Molecular consequence: missense variant. On other transcripts: intron variant (1).
Genome position (GRCh38, 1-based): chr17:44,075,010, T>G. VCF-style: chr17-44075010-T-G. GRCh37 (hg19) VCF-style: chr17-42152378-T-G.
Other names: c.113T>G, p.Phe38Cys (NM_001384165.1, NM_001384166.1, NM_001384167.1 and 1 more transcripts); c.416+240T>G (NM_001319945.2); short protein forms F153C, F38C.
Identifiers: ClinVar variation 3852333 (VCV003852333.1).